The following is an entry in ClinVar:

ClinVar aggregate classification (germline): Uncertain significance (1 of 4 stars; one submission).

Submission:

Labcorp Genetics (formerly Invitae), Labcorp
Classification: Uncertain significance. Last evaluated: 2024-08-13. Review status: criteria provided, single submitter. Criteria: Invitae Variant Classification Sherloc (09022015). Collection method: clinical testing. Allele origin: germline.
Comment: This sequence change replaces serine, which is neutral and polar, with isoleucine, which is neutral and non-polar, at codon 509 of the DSG1 protein (p.Ser509Ile). This variant is not present in population databases (gnomAD no frequency). This variant has not been reported in the literature in individuals affected with DSG1-related conditions. An algorithm developed to predict the effect of missense changes on protein structure and function (PolyPhen-2) suggests that this variant is likely to be tolerated. In summary, the available evidence is currently insufficient to determine the role of this variant in disease. Therefore, it has been classified as a Variant of Uncertain Significance.

NM_001942.4(DSG1):c.1526G>T (p.Ser509Ile)

Gene: DSG1 (desmoglein 1; plus strand). Cytogenetic location: 18q12.1.
Variant type: single nucleotide variant.
Coding change: c.1526G>T on transcript NM_001942.4 (MANE Select); coding-DNA position 1526, G replaced by T.
Protein change: p.Ser509Ile; replaces serine 509 with isoleucine.
Molecular consequence: missense variant.
Genome position (GRCh38, 1-based): chr18:31,339,864, G>T. VCF-style: chr18-31339864-G-T. GRCh37 (hg19) VCF-style: chr18-28919827-G-T.
Other names: short protein forms S509I.
Identifiers: ClinVar variation 3005984 (VCV003005984.3), dbSNP rs756831497, ClinGen allele CA402137726.